The following is an entry in ClinVar:

NM_000747.3(CHRNB1):c.286G>C (p.Asp96His)

Gene: CHRNB1 (cholinergic receptor nicotinic beta 1 subunit; plus strand). Cytogenetic location: 17p13.1.
Variant type: single nucleotide variant.
Coding change: c.286G>C on transcript NM_000747.3 (MANE Select); coding-DNA position 286, G replaced by C.
Protein change: p.Asp96His; replaces aspartic acid 96 with histidine.
Molecular consequence: missense variant.
Genome position (GRCh38, 1-based): chr17:7,446,875, G>C. VCF-style: chr17-7446875-G-C. GRCh37 (hg19) VCF-style: chr17-7350194-G-C.
Other names: short protein forms D96H.
Identifiers: ClinVar variation 1363135 (VCV001363135.8), dbSNP rs778968747, ClinGen allele CA397789303.

ClinVar aggregate classification (germline): Uncertain significance (1 of 4 stars; one submission).

Conditions:
Congenital myasthenic syndrome 2A. Also called: Myasthenic syndrome, congenital, 2a, slow-channel. Identifiers: Orphanet 590, MedGen C4225374, MONDO:0014581, OMIM 616313.

Submission:

Labcorp Genetics (formerly Invitae), Labcorp
Classification: Uncertain significance for Congenital myasthenic syndrome 2A. Last evaluated: 2023-10-03. Review status: criteria provided, single submitter. Criteria: Invitae Variant Classification Sherloc (09022015). Collection method: clinical testing. Allele origin: germline.
Comment: This sequence change replaces aspartic acid, which is acidic and polar, with histidine, which is basic and polar, at codon 96 of the CHRNB1 protein (p.Asp96His). This variant is not present in population databases (gnomAD no frequency). This variant has not been reported in the literature in individuals affected with CHRNB1-related conditions. ClinVar contains an entry for this variant (Variation ID: 1363135). Advanced modeling of protein sequence and biophysical properties (such as structural, functional, and spatial information, amino acid conservation, physicochemical variation, residue mobility, and thermodynamic stability) performed at Invitae indicates that this missense variant is not expected to disrupt CHRNB1 protein function. In summary, the available evidence is currently insufficient to determine the role of this variant in disease. Therefore, it has been classified as a Variant of Uncertain Significance.